The following is an entry in ClinVar:

NM_000760.4(CSF3R):c.1612A>G (p.Ile538Val)

Gene: CSF3R (colony stimulating factor 3 receptor; minus strand). Cytogenetic location: 1p34.3.
Variant type: single nucleotide variant.
Coding change: c.1612A>G on transcript NM_000760.4 (MANE Select); coding-DNA position 1612, A replaced by G.
Protein change: p.Ile538Val; replaces isoleucine 538 with valine.
Molecular consequence: missense variant.
Genome position (GRCh38, 1-based): chr1:36,468,186, T>C on the plus strand (A>G on the coding strand, the complement: CSF3R is on the minus strand). VCF-style: chr1-36468186-T-C. GRCh37 (hg19) VCF-style: chr1-36933787-T-C.
Other names: c.1612A>G, p.Ile538Val (NM_156039.3, NM_172313.3, LRG_144t1); short protein forms I538V.
Identifiers: ClinVar variation 542858 (VCV000542858.9), dbSNP rs375571657, ClinGen allele CA20743554.

ClinVar aggregate classification (germline): Uncertain significance (1 of 4 stars; one submission).

Conditions:
Autosomal recessive severe congenital neutropenia due to CSF3R deficiency. Also called: Neutropenia, severe congenital, 7, autosomal recessive. Identifiers: Orphanet 420702, MedGen C4310764, MONDO:0014865, OMIM 617014.

Allele frequency attached by ClinVar (database versions not stated): gnomAD exomes below 0.00001; ESP Exome Variant Server 0.00008.
gnomAD v4.1: 2 of 1,609,166 alleles (0.00012%); highest among the groups gnomAD compares: Non-Finnish European, 0.00017%; no homozygotes.

Submission:

Labcorp Genetics (formerly Invitae), Labcorp
Classification: Uncertain significance for Autosomal recessive severe congenital neutropenia due to CSF3R deficiency. Last evaluated: 2024-12-29. Review status: criteria provided, single submitter. Criteria: Invitae Variant Classification Sherloc (09022015). Collection method: clinical testing. Allele origin: germline.
Comment: This sequence change replaces isoleucine, which is neutral and non-polar, with valine, which is neutral and non-polar, at codon 538 of the CSF3R protein (p.Ile538Val). This variant is present in population databases (rs375571657, gnomAD 0.0009%). This variant has not been reported in the literature in individuals affected with CSF3R-related conditions. ClinVar contains an entry for this variant (Variation ID: 542858). Invitae Evidence Modeling of protein sequence and biophysical properties (such as structural, functional, and spatial information, amino acid conservation, physicochemical variation, residue mobility, and thermodynamic stability) indicates that this missense variant is not expected to disrupt CSF3R protein function with a negative predictive value of 80%. In summary, the available evidence is currently insufficient to determine the role of this variant in disease. Therefore, it has been classified as a Variant of Uncertain Significance.